The following is an entry in ClinVar:

ClinVar aggregate classification (germline): Conflicting classifications of pathogenicity. Review status: criteria provided, conflicting classifications (1 of 4 stars). 2 submissions from 2 submitters: Uncertain significance (1); Likely benign (1). Last evaluated 2024-09-01.

Allele frequency attached by ClinVar (database versions not stated): gnomAD exomes 0.00009; TOPMed 0.00011; gnomAD 0.00014; 1000 Genomes Project 30x 0.00016; ExAC 0.00017; ESP Exome Variant Server 0.00017; 1000 Genomes Project 0.00020.
gnomAD v4.1: 156 of 1,610,968 alleles (0.0097%); highest among the groups gnomAD compares: Middle Eastern, 0.27%; no homozygotes.

Submissions (2):

CeGaT Center for Human Genetics Tuebingen
Classification: Likely benign. Last evaluated: 2024-09-01. Review status: criteria provided, single submitter. Criteria: CeGaT Center For Human Genetics Tuebingen Variant Classification Criteria Version 2. Collection method: clinical testing. Allele origin: germline. Affected: yes. Observed: 1 variant allele.
Comment: MUC5B: BP4

Ambry Genetics
Classification: Uncertain significance. Last evaluated: 2024-07-02. Review status: criteria provided, single submitter. Criteria: Ambry Variant Classification Scheme 2023. Collection method: clinical testing. Allele origin: germline.

NM_002458.3(MUC5B):c.10694C>T (p.Thr3565Met)

Genes: MUC5B (mucin 5B, oligomeric mucus/gel-forming; plus strand), MUC5B-AS1 (MUC5B antisense RNA 1; minus strand). Cytogenetic location: 11p15.5.
Variant type: single nucleotide variant.
Coding change: c.10694C>T on transcript NM_002458.3 (MANE Select); coding-DNA position 10694, C replaced by T.
Protein change: p.Thr3565Met; replaces threonine 3565 with methionine.
Molecular consequence: missense variant.
Genome position (GRCh38, 1-based): chr11:1,247,574, C>T. VCF-style: chr11-1247574-C-T. GRCh37 (hg19) VCF-style: chr11-1268804-C-T.
Other names: short protein forms T3565M.
Identifiers: ClinVar variation 2215127 (VCV002215127.17), dbSNP rs367855925, ClinGen allele CA5807434.